The following is an entry in ClinVar:

ClinVar aggregate classification (germline): Likely benign. Review status: criteria provided, multiple submitters, no conflicts (2 of 4 stars). 3 submissions from 3 submitters: Likely benign (3). Last evaluated 2024-02-06.

Conditions:
Multiple endocrine neoplasia, type 1 (MEN1). Also called: MEN I; WERMER SYNDROME; Endocrine adenomatosis multiple; MEN 1; MEA I. Identifiers: Orphanet 652, MedGen C0025267, MeSH D018761, MONDO:0007540, OMIM 131100.
Hereditary cancer-predisposing syndrome. Also called: Neoplastic Syndromes, Hereditary; Tumor predisposition; Hereditary neoplastic syndrome; Hereditary Cancer Syndrome. Identifiers: Orphanet 140162, MedGen C0027672, MeSH D009386, MONDO:0015356.

Allele frequency attached by ClinVar (database versions not stated): gnomAD exomes below 0.00001.
gnomAD v4.1: 1 of 1,614,052 alleles (0.000062%); highest among the groups gnomAD compares: Non-Finnish European, 0.000085%; no homozygotes.

Submissions (3):

Ambry Genetics
Classification: Likely benign for Hereditary cancer-predisposing syndrome. Last evaluated: 2024-02-06. Review status: criteria provided, single submitter. Criteria: Ambry Variant Classification Scheme 2023. Collection method: clinical testing. Allele origin: germline.

CeGaT Center for Human Genetics Tuebingen
Classification: Likely benign. Last evaluated: 2023-05-01. Review status: criteria provided, single submitter. Criteria: CeGaT Center For Human Genetics Tuebingen Variant Classification Criteria Version 2. Collection method: clinical testing. Allele origin: germline. Affected: yes. Observed: 1 variant allele.
Comment: MEN1: PM2:Supporting, BP4, BP7

Labcorp Genetics (formerly Invitae), Labcorp
Classification: Likely benign for Multiple endocrine neoplasia, type 1. Last evaluated: 2020-03-18. Review status: criteria provided, single submitter. Criteria: Invitae Variant Classification Sherloc (09022015). Collection method: clinical testing. Allele origin: germline.

NM_001370259.2(MEN1):c.504G>A (p.Leu168=)

Gene: MEN1 (menin 1; minus strand). Cytogenetic location: 11q13.1.
Variant type: single nucleotide variant.
Coding change: c.504G>A on transcript NM_001370259.2 (MANE Select); coding-DNA position 504, G replaced by A.
Protein change: p.Leu168=; no amino-acid change (leucine 168 retained).
Molecular consequence: synonymous variant.
Genome position (GRCh38, 1-based): chr11:64,808,041, C>T on the plus strand (G>A on the coding strand, the complement: MEN1 is on the minus strand). VCF-style: chr11-64808041-C-T. GRCh37 (hg19) VCF-style: chr11-64575513-C-T.
Other names: c.519G>A, p.Leu173= (NM_000244.4, NM_130800.3, NM_130801.3 and 3 more transcripts); c.504G>A, p.Leu168= (NM_001370251.2, NM_001370260.2, NM_001370261.2 and 3 more transcripts); c.504G>A (NM_130799.2).
Identifiers: ClinVar variation 1116028 (VCV001116028.33), dbSNP rs1941867763, ClinGen allele CA475163107.